The following is an entry in ClinVar:

ClinVar aggregate classification (germline): Conflicting classifications of pathogenicity. Review status: criteria provided, conflicting classifications (1 of 4 stars). 8 submissions from 8 submitters: Pathogenic (1); Likely pathogenic (1); Uncertain significance (3); Likely benign (2). 1 of the submissions does not count toward it. Last evaluated 2026-02-02.

Conditions:
TULP1-related disorder. Also called: TULP1-related condition; TULP1-related disorders.
Retinal dystrophy. Also called: Inherited retinal dystrophy. Identifiers: Orphanet 71862, MedGen C0854723, MeSH D058499, MONDO:0019118, HP:0000556.
Retinitis pigmentosa 14 (RP14). Also called: RETINITIS PIGMENTOSA, JUVENILE, TULP1-RELATED. Identifiers: Orphanet 791, MedGen C1838603, MONDO:0010827, OMIM 600132.

Allele frequency attached by ClinVar (database versions not stated): gnomAD exomes 0.00043; ExAC 0.00049; TOPMed 0.00119; gnomAD 0.00129; 1000 Genomes Project 0.00220; 1000 Genomes Project 30x 0.00234.

Submissions (8):

Labcorp Genetics (formerly Invitae), Labcorp
Classification: Likely benign. Last evaluated: 2026-02-02. Review status: criteria provided, single submitter. Criteria: Invitae Variant Classification Sherloc (09022015). Collection method: clinical testing. Allele origin: germline.

GeneDx
Classification: Likely pathogenic. Last evaluated: 2025-11-18. Review status: criteria provided, single submitter. Criteria: GeneDx Variant Classification Process June 2021. Collection method: clinical testing. Allele origin: germline. Affected: yes.
Comment: In silico analysis supports that this missense variant has a deleterious effect on protein structure/function; This variant is associated with the following publications: (PMID: 29843741, 27440997, 32037395, 24154662, 38450199)

Blueprint Genetics
Classification: Pathogenic for TULP1-related disorders. Last evaluated: 2024-09-25. Review status: criteria provided, single submitter. Criteria: ACMG Guidelines, 2015. Collection method: clinical testing. Allele origin: germline. Affected: yes. Observed: 5 variant alleles.

3billion
Classification: Uncertain significance for Retinitis pigmentosa 14. Last evaluated: 2024-01-12. Review status: criteria provided, single submitter. Criteria: ACMG Guidelines, 2015. Collection method: clinical testing. Allele origin: germline. Affected: yes.
Comment: The variant is observed at an extremely low frequency in the gnomAD v2.1.1 dataset (total allele frequency: 0.051%). Predicted Consequence/Location: Missense variant In silico tool predictions suggest damaging effect of the variant on gene or gene product [REVEL: 0.86 (>=0.6, sensitivity 0.68 and specificity 0.92); 3Cnet: 0.98 (>=0.6, sensitivity 0.72 and precision 0.9)]. A different missense change at the same codon (p.Ile459Lys) has been reported to be associated with TULP1 related disorder (ClinVar ID: VCV000007359 /PMID: 9462750). The variant has been reported to have conflicting of interpretations as either being of uncertain significance or benign(ClinVar ID: VCV000194380). Therefore, this variant is classified as VUS according to the recommendation of ACMG/AMP guideline.

Women's Health and Genetics/Laboratory Corporation of America, LabCorp
Classification: Likely benign. Last evaluated: 2023-05-30. Review status: criteria provided, single submitter. Criteria: LabCorp Variant Classification Summary - May 2015. Collection method: clinical testing. Allele origin: germline.
Comment: Variant summary: TULP1 c.1376T>C (p.Ile459Thr) results in a non-conservative amino acid change located in the Tubby, C-terminal domain (IPR000007) of the encoded protein sequence. Four of five in-silico tools predict a damaging effect of the variant on protein function. The variant allele was found at a frequency of 0.00043 in 251456 control chromosomes, predominantly at a frequency of 0.0039 within the African or African-American subpopulation in the gnomAD database. The observed variant frequency within African or African-American control individuals in the gnomAD database is approximately 8 fold of the estimated maximal expected allele frequency for a pathogenic variant in TULP1 causing Leber Congenital Amaurosis phenotype (0.0005), strongly suggesting that the variant is a benign polymorphism found primarily in populations of African or African-American origin.c.1376T>C has been reported in the literature in individuals affected with Retinitis Pigmentosa (e.g. Wang_2014, Zampaglione_2020). These reports do not provide unequivocal conclusions about association of the variant with Leber Congenital Amaurosis. To our knowledge, no experimental evidence demonstrating an impact on protein function has been reported. The following publications have been ascertained in the context of this evaluation (PMID: 24154662, 32037395). Two clinical diagnostic laboratories have submitted clinical-significance assessments for this variant to ClinVar after 2014 without evidence for independent evaluation. One laboratory classified the variant as likely benign, and one laboratory classified the variant as uncertain significance. Based on the evidence outlined above, the variant was classified as likely benign.

Institute of Human Genetics, Univ. Regensburg, Univ. Regensburg
Classification: Uncertain significance for Retinal dystrophy. Last evaluated: 2018-01-01. Review status: criteria provided, single submitter. Criteria: ACMG Guidelines, 2015. Collection method: clinical testing. Allele origin: germline. Affected: yes.

Eurofins Ntd Llc (ga)
Classification: Uncertain significance. Last evaluated: 2014-08-04. Review status: criteria provided, single submitter. Criteria: EGL Classification Definitions 2015. Collection method: clinical testing. Allele origin: germline. Observed: 1 variant allele, 1 heterozygote.

PreventionGenetics, part of Exact Sciences
Classification: Likely benign for TULP1-related condition. Last evaluated: 2023-07-05. Review status: no assertion criteria provided. Collection method: clinical testing. Allele origin: germline. Not counted in ClinVar's aggregate classification.
Comment: This variant is classified as likely benign based on ACMG/AMP sequence variant interpretation guidelines (Richards et al. 2015 PMID: 25741868, with internal and published modifications).

Literature cited by the submitters: PubMed 9462750 (cited by 3billion); PubMed 24154662 (cited by Women's Health and Genetics/Laboratory Corporation of America, LabCorp and Institute of Human Genetics, Univ. Regensburg, Univ. Regensburg); PubMed 32037395 (cited by Women's Health and Genetics/Laboratory Corporation of America, LabCorp); PubMed 3203739 (cited by Institute of Human Genetics, Univ. Regensburg, Univ. Regensburg).

NM_003322.6(TULP1):c.1376T>C (p.Ile459Thr)

Gene: TULP1 (TUB like protein 1; minus strand). Cytogenetic location: 6p21.31.
Variant type: single nucleotide variant.
Coding change: c.1376T>C on transcript NM_003322.6 (MANE Select); coding-DNA position 1376, T replaced by C.
Protein change: p.Ile459Thr; replaces isoleucine 459 with threonine.
Molecular consequence: missense variant.
Genome position (GRCh38, 1-based): chr6:35,500,100, A>G on the plus strand (T>C on the coding strand, the complement: TULP1 is on the minus strand). VCF-style: chr6-35500100-A-G. GRCh37 (hg19) VCF-style: chr6-35467877-A-G.
Other names: c.1217T>C, p.Ile406Thr (NM_001289395.2); short protein forms I459T, I406T.
Identifiers: ClinVar variation 194380 (VCV000194380.27), dbSNP rs121909075, ClinGen allele CA240311.